The following is an entry in ClinVar:

ClinVar aggregate classification (germline): Uncertain significance. Review status: criteria provided, multiple submitters, no conflicts (2 of 4 stars). 2 submissions from 2 submitters: Uncertain significance (2). Last evaluated 2026-03-24.

Conditions:
Hereditary cancer-predisposing syndrome. Also called: Hereditary neoplastic syndrome; Neoplastic Syndromes, Hereditary; Tumor predisposition; Hereditary Cancer Syndrome. Identifiers: Orphanet 140162, MedGen C0027672, MeSH D009386, MONDO:0015356.

Submissions (2):

Ambry Genetics
Classification: Uncertain significance for Hereditary cancer-predisposing syndrome. Last evaluated: 2026-03-24. Review status: criteria provided, single submitter. Criteria: Ambry Variant Classification Scheme 2023. Collection method: clinical testing. Allele origin: germline.
Comment: The p.R924G variant (also known as c.2770C>G), located in coding exon 24 of the POLE gene, results from a C to G substitution at nucleotide position 2770. The arginine at codon 924 is replaced by glycine, an amino acid with dissimilar properties. This amino acid position is well conserved in available vertebrate species. In addition, this alteration is predicted to be tolerated by in silico analysis. Based on the available evidence, the clinical significance of this variant remains unclear.

Labcorp Genetics (formerly Invitae), Labcorp
Classification: Uncertain significance. Last evaluated: 2024-02-14. Review status: criteria provided, single submitter. Criteria: Invitae Variant Classification Sherloc (09022015). Collection method: clinical testing. Allele origin: germline.
Comment: This sequence change replaces arginine, which is basic and polar, with glycine, which is neutral and non-polar, at codon 924 of the POLE protein (p.Arg924Gly). This variant is not present in population databases (gnomAD no frequency). This variant has not been reported in the literature in individuals affected with POLE-related conditions. Advanced modeling of protein sequence and biophysical properties (such as structural, functional, and spatial information, amino acid conservation, physicochemical variation, residue mobility, and thermodynamic stability) performed at Invitae indicates that this missense variant is expected to disrupt POLE protein function with a positive predictive value of 80%. In summary, the available evidence is currently insufficient to determine the role of this variant in disease. Therefore, it has been classified as a Variant of Uncertain Significance.

NM_006231.4(POLE):c.2770C>G (p.Arg924Gly)

Gene: POLE (DNA polymerase epsilon, catalytic subunit; minus strand). Cytogenetic location: 12q24.33.
Variant type: single nucleotide variant.
Coding change: c.2770C>G on transcript NM_006231.4 (MANE Select); coding-DNA position 2770, C replaced by G.
Protein change: p.Arg924Gly; replaces arginine 924 with glycine.
Molecular consequence: missense variant.
Genome position (GRCh38, 1-based): chr12:132,661,621, G>C on the plus strand (C>G on the coding strand, the complement: POLE is on the minus strand). VCF-style: chr12-132661621-G-C. GRCh37 (hg19) VCF-style: chr12-133238207-G-C.
Other names: c.2770C>G (NM_006231.2); short protein forms R924G.
Identifiers: ClinVar variation 2869631 (VCV002869631.4), dbSNP rs369751686, ClinGen allele CA387393860.